The following is an entry in ClinVar:

ClinVar aggregate classification (germline): Uncertain significance. Review status: criteria provided, multiple submitters, no conflicts (2 of 4 stars). 4 submissions from 4 submitters: Uncertain significance (4). Last evaluated 2025-05-15.

Conditions:
Emery-Dreifuss muscular dystrophy 5, autosomal dominant (EDMD5). Also called: EMERY-DREIFUSS MUSCULAR DYSTROPHY 5. Identifiers: Orphanet 261, MedGen C2751805, MONDO:0013072, OMIM 612999.

gnomAD v4.1: 20 of 1,614,064 alleles (0.0012%); highest among the groups gnomAD compares: Admixed American, 0.017%; no homozygotes.

Submissions (4):

Dasa
Classification: Uncertain significance. Last evaluated: 2025-05-15. Review status: criteria provided, single submitter. Criteria: DASA Assertion Criteria. Collection method: clinical testing. Allele origin: germline.
Comment: NM_182914.3(SYNE2):c.6557A>C (p.Lys2186Thr) is a missense variant that results in the substitution of lysine with threonine. This variant is rare in population databases. Computational prediction algorithms are consistent with a benign effect. The currently available literature and clinical evidence are not sufficient to establish a definitive association between this variant and the reported condition. Therefore, this variant is classified as a variant of uncertain significance.

Labcorp Genetics (formerly Invitae), Labcorp
Classification: Uncertain significance for Emery-Dreifuss muscular dystrophy 5, autosomal dominant. Last evaluated: 2024-11-28. Review status: criteria provided, single submitter. Criteria: Invitae Variant Classification Sherloc (09022015). Collection method: clinical testing. Allele origin: germline.
Comment: This sequence change replaces lysine, which is basic and polar, with threonine, which is neutral and polar, at codon 2186 of the SYNE2 protein (p.Lys2186Thr). This variant is present in population databases (no rsID available, gnomAD 0.003%). This variant has not been reported in the literature in individuals affected with SYNE2-related conditions. ClinVar contains an entry for this variant (Variation ID: 2141515). An algorithm developed to predict the effect of missense changes on protein structure and function (PolyPhen-2) suggests that this variant is likely to be disruptive. In summary, the available evidence is currently insufficient to determine the role of this variant in disease. Therefore, it has been classified as a Variant of Uncertain Significance.

Ambry Genetics
Classification: Uncertain significance. Last evaluated: 2024-08-20. Review status: criteria provided, single submitter. Criteria: Ambry Variant Classification Scheme 2023. Collection method: clinical testing. Allele origin: germline.

Revvity Omics, Revvity
Classification: Uncertain significance for Emery-Dreifuss muscular dystrophy 5, autosomal dominant. Last evaluated: 2019-02-08. Review status: criteria provided, single submitter. Criteria: ACMG Guidelines, 2015. Collection method: clinical testing. Allele origin: germline.

NM_182914.3(SYNE2):c.6557A>C (p.Lys2186Thr)

Gene: SYNE2 (spectrin repeat containing nuclear envelope protein 2; plus strand). Cytogenetic location: 14q23.2.
Variant type: single nucleotide variant.
Coding change: c.6557A>C on transcript NM_182914.3 (MANE Select); coding-DNA position 6557, A replaced by C.
Protein change: p.Lys2186Thr; replaces lysine 2186 with threonine.
Molecular consequence: missense variant.
Genome position (GRCh38, 1-based): chr14:64,027,636, A>C. VCF-style: chr14-64027636-A-C. GRCh37 (hg19) VCF-style: chr14-64494354-A-C.
Other names: c.6557A>C, p.Lys2186Thr (NM_015180.6); c.6557A>C (NM_182914.2); short protein forms K2186T.
Identifiers: ClinVar variation 2141515 (VCV002141515.10), dbSNP rs1434669493, ClinGen allele CA389949401.